The following is an entry in ClinVar:

ClinVar aggregate classification (germline): Uncertain significance (1 of 4 stars; one submission).

Conditions:
Inborn genetic diseases. Identifiers: MedGen C0950123, MeSH D030342.

Submission:

Ambry Genetics
Classification: Uncertain significance for Inborn genetic diseases. Last evaluated: 2025-06-07. Review status: criteria provided, single submitter. Criteria: Ambry Variant Classification Scheme 2023. Collection method: clinical testing. Allele origin: germline.
Comment: The p.C338S variant (also known as c.1013G>C), located in coding exon 6 of the ETV6 gene, results from a G to C substitution at nucleotide position 1013. The cysteine at codon 338 is replaced by serine, an amino acid with dissimilar properties. This amino acid position is conserved. In addition, the in silico prediction for this alteration is inconclusive. Based on the available evidence, the clinical significance of this variant remains unclear.

NM_001987.5(ETV6):c.1013G>C (p.Cys338Ser)

Genes: ETV6 (ETS variant transcription factor 6; plus strand), LOC126861452 (CDK7 strongly-dependent group 2 enhancer GRCh37_chr12:12037195-12038394; plus strand). Cytogenetic location: 12p13.2.
Variant type: single nucleotide variant.
Coding change: c.1013G>C on transcript NM_001987.5 (MANE Select); coding-DNA position 1013, G replaced by C.
Protein change: p.Cys338Ser; replaces cysteine 338 with serine.
Molecular consequence: missense variant. On other transcripts: intron variant (1).
Genome position (GRCh38, 1-based): chr12:11,884,448, G>C. VCF-style: chr12-11884448-G-C. GRCh37 (hg19) VCF-style: chr12-12037382-G-C.
Other names: c.1010G>C, p.Cys337Ser (NM_001413913.1); c.986G>C, p.Cys329Ser (NM_001413914.1); c.749G>C, p.Cys250Ser (NM_001413915.1); c.1010-6493G>C (NM_001413917.1); short protein forms C338S, C250S, C329S, C337S.
Identifiers: ClinVar variation 4020126 (VCV004020126.1).